The following is an entry in ClinVar:

NM_001369.3(DNAH5):c.1924C>T (p.Gln642Ter)

Gene: DNAH5 (dynein axonemal heavy chain 5; minus strand). Cytogenetic location: 5p15.2.
Variant type: single nucleotide variant.
Coding change: c.1924C>T on transcript NM_001369.3 (MANE Select); coding-DNA position 1924, C replaced by T.
Protein change: p.Gln642Ter; replaces glutamine 642 with a stop codon.
Molecular consequence: nonsense.
Genome position (GRCh38, 1-based): chr5:13,901,380, G>A on the plus strand (C>T on the coding strand, the complement: DNAH5 is on the minus strand). VCF-style: chr5-13901380-G-A. GRCh37 (hg19) VCF-style: chr5-13901489-G-A.
Other names: short protein forms Q642*.
Identifiers: ClinVar variation 2703175 (VCV002703175.4), dbSNP rs2547092303, ClinGen allele CA359205436.
Genomic context (GRCh38, chr5:13,901,380, plus strand): 5'-TGCGAATTATAGGTTTGGCTTCTGCCGTGCTTAGCACAGCTGGGTGCTGCTGGAAAAGCT[G>A]CATGGGCTGCTGAATCCTATGGAAGAGCTGGCGGGCCCACAAAATCTTTCCAGCGATGGG-3'

ClinVar aggregate classification (germline): Pathogenic. Review status: criteria provided, multiple submitters, no conflicts (2 of 4 stars). 2 submissions from 2 submitters: Pathogenic (2). Last evaluated 2025-11-12.

Conditions:
Primary ciliary dyskinesia 3. Identifiers: Orphanet 244, MedGen C1837618, MONDO:0012085, OMIM 608644.
Primary ciliary dyskinesia. Also called: Ciliary dyskinesia. Identifiers: Orphanet 244, MedGen C0008780, MONDO:0016575, HP:0012265.

Submissions (2):

Myriad Genetics, Inc.
Classification: Pathogenic for Primary ciliary dyskinesia 3. Last evaluated: 2025-11-12. Review status: criteria provided, single submitter. Criteria: Myriad Autosomal Dominant, Autosomal Recessive and X-Linked Classification Criteria (2023). Collection method: clinical testing. Allele origin: unknown.
Comment: NM_001369.2(DNAH5):c.1924C>T(Q642*) is expected to be pathogenic in the context of primary ciliary dyskinesia, DNAH5-related. This variant is predicted to lead to an abnormal or absent protein product due to the creation of a premature termination codon in DNAH5, a gene where loss-of-function variants are known to be pathogenic. Please note: this variant was assessed in the context of healthy population screening.

Labcorp Genetics (formerly Invitae), Labcorp
Classification: Pathogenic for Primary ciliary dyskinesia. Last evaluated: 2023-12-14. Review status: criteria provided, single submitter. Criteria: Invitae Variant Classification Sherloc (09022015). Collection method: clinical testing. Allele origin: germline.
Comment: This sequence change creates a premature translational stop signal (p.Gln642*) in the DNAH5 gene. It is expected to result in an absent or disrupted protein product. Loss-of-function variants in DNAH5 are known to be pathogenic (PMID: 11788826, 16627867). This variant is not present in population databases (gnomAD no frequency). This variant has not been reported in the literature in individuals affected with DNAH5-related conditions. For these reasons, this variant has been classified as Pathogenic.

Literature cited by the submitters: PubMed 11788826 (cited by Labcorp Genetics (formerly Invitae), Labcorp); PubMed 16627867 (cited by Labcorp Genetics (formerly Invitae), Labcorp).